The following is an entry in ClinVar:

ClinVar aggregate classification (germline): Uncertain significance. Review status: criteria provided, multiple submitters, no conflicts (2 of 4 stars). 2 submissions from 2 submitters: Uncertain significance (2). Last evaluated 2023-08-16.

Allele frequency attached by ClinVar (database versions not stated): gnomAD exomes below 0.00001; TOPMed below 0.00001.

Submissions (2):

Labcorp Genetics (formerly Invitae), Labcorp
Classification: Uncertain significance. Last evaluated: 2023-08-16. Review status: criteria provided, single submitter. Criteria: Invitae Variant Classification Sherloc (09022015). Collection method: clinical testing. Allele origin: germline.
Comment: This sequence change replaces histidine, which is basic and polar, with tyrosine, which is neutral and polar, at codon 16 of the TRPM1 protein (p.His16Tyr). This variant is present in population databases (no rsID available, gnomAD 0.0009%). This variant has not been reported in the literature in individuals affected with TRPM1-related conditions. ClinVar contains an entry for this variant (Variation ID: 1314361). Advanced modeling of protein sequence and biophysical properties (such as structural, functional, and spatial information, amino acid conservation, physicochemical variation, residue mobility, and thermodynamic stability) performed at Invitae indicates that this missense variant is expected to disrupt TRPM1 protein function. In summary, the available evidence is currently insufficient to determine the role of this variant in disease. Therefore, it has been classified as a Variant of Uncertain Significance.

GeneDx
Classification: Uncertain significance. Last evaluated: 2021-04-07. Review status: criteria provided, single submitter. Criteria: GeneDx Variant Classification Process June 2021. Collection method: clinical testing. Allele origin: germline. Affected: yes.
Comment: Not observed at a significant frequency in large population cohorts (Lek et al., 2016); In silico analysis supports that this missense variant has a deleterious effect on protein structure/function; Has not been previously published as pathogenic or benign to our knowledge

NM_001252024.2(TRPM1):c.112C>T (p.His38Tyr)

Gene: TRPM1 (transient receptor potential cation channel subfamily M member 1; minus strand). Cytogenetic location: 15q13.3.
Variant type: single nucleotide variant.
Coding change: c.112C>T on transcript NM_001252024.2 (MANE Select); coding-DNA position 112, C replaced by T.
Protein change: p.His38Tyr; replaces histidine 38 with tyrosine.
Molecular consequence: missense variant.
Genome position (GRCh38, 1-based): chr15:31,070,198, G>A on the plus strand (C>T on the coding strand, the complement: TRPM1 is on the minus strand). VCF-style: chr15-31070198-G-A. GRCh37 (hg19) VCF-style: chr15-31362401-G-A.
Other names: c.163C>T, p.His55Tyr (NM_001252020.2); c.46C>T, p.His16Tyr (NM_001252030.2, NM_002420.6); short protein forms H16Y, H38Y, H55Y.
Identifiers: ClinVar variation 1314361 (VCV001314361.5), dbSNP rs1163630413, ClinGen allele CA391537634.
Genomic context (GRCh38, chr15:31,070,198, plus strand): 5'-CCACCTGTTTGCTTTCCTCTTCATTTTTGCTGGGTGTTGCACTTGGCAGAGGGGGGATAT[G>A]CTGGTTGGTGAACTGGCCACAGCAACACCTGAAAACAAAGGCAAAGCAGGGTCTTTCTAC-3'
Protein context (NP_001238953.1, residues 28-48): RCCCGQFTNQ[His38Tyr]IPPLPSATPS